The following is an entry in ClinVar:

NM_000548.5(TSC2):c.4769A>C (p.Asp1590Ala)

Gene: TSC2 (TSC complex subunit 2; plus strand). Cytogenetic location: 16p13.3.
Variant type: single nucleotide variant.
Coding change: c.4769A>C on transcript NM_000548.5 (MANE Select); coding-DNA position 4769, A replaced by C.
Protein change: p.Asp1590Ala; replaces aspartic acid 1590 with alanine.
Molecular consequence: missense variant. On other transcripts: non-coding transcript variant (5).
Genome position (GRCh38, 1-based): chr16:2,086,299, A>C. VCF-style: chr16-2086299-A-C. GRCh37 (hg19) VCF-style: chr16-2136300-A-C.
Other names: c.4568A>C, p.Asp1523Ala (NM_001077183.3); c.4700A>C, p.Asp1567Ala (NM_001114382.3); c.4460A>C, p.Asp1487Ala (NM_001318827.2); c.4424A>C, p.Asp1475Ala (NM_001318829.2); c.4037A>C, p.Asp1346Ala (NM_001318831.2); c.4601A>C, p.Asp1534Ala (NM_001318832.2); c.4571A>C, p.Asp1524Ala (NM_001363528.2); c.4637A>C, p.Asp1546Ala (NM_001370404.1); and 26 more; short protein forms D1075A, D1098A, D1486A, D1504A, D1519A, D1523A, D1546A, D1547A.
Identifiers: ClinVar variation 2764505 (VCV002764505.3), dbSNP rs2090780608, ClinGen allele CA394307881.

ClinVar aggregate classification (germline): Uncertain significance (1 of 4 stars; one submission).

Conditions:
Tuberous sclerosis 2 (TSC2). Identifiers: Orphanet 805, MedGen C1860707, MONDO:0013199, OMIM 613254.

Submission:

Labcorp Genetics (formerly Invitae), Labcorp
Classification: Uncertain significance for Tuberous sclerosis 2. Last evaluated: 2023-09-30. Review status: criteria provided, single submitter. Criteria: Invitae Variant Classification Sherloc (09022015). Collection method: clinical testing. Allele origin: germline.
Comment: This sequence change replaces aspartic acid, which is acidic and polar, with alanine, which is neutral and non-polar, at codon 1590 of the TSC2 protein (p.Asp1590Ala). This variant is not present in population databases (gnomAD no frequency). This variant has not been reported in the literature in individuals affected with TSC2-related conditions. Advanced modeling of protein sequence and biophysical properties (such as structural, functional, and spatial information, amino acid conservation, physicochemical variation, residue mobility, and thermodynamic stability) performed at Invitae indicates that this missense variant is not expected to disrupt TSC2 protein function. In summary, the available evidence is currently insufficient to determine the role of this variant in disease. Therefore, it has been classified as a Variant of Uncertain Significance.